The following is an entry in ClinVar:

ClinVar aggregate classification (germline): Uncertain significance (1 of 4 stars; one submission).

Conditions:
Bardet-Biedl syndrome (BBS). Identifiers: Orphanet 110, MedGen C0752166, MONDO:0015229.

Allele frequency attached by ClinVar (database versions not stated): TOPMed below 0.00001.

Submission:

Labcorp Genetics (formerly Invitae), Labcorp
Classification: Uncertain significance for Bardet-Biedl syndrome. Last evaluated: 2021-12-15. Review status: criteria provided, single submitter. Criteria: Invitae Variant Classification Sherloc (09022015). Collection method: clinical testing. Allele origin: germline.
Comment: This sequence change replaces serine, which is neutral and polar, with glycine, which is neutral and non-polar, at codon 326 of the BBS7 protein (p.Ser326Gly). This variant is not present in population databases (gnomAD no frequency). This missense change has been observed in individual(s) with Bardet-Biedl syndrome (Invitae). ClinVar contains an entry for this variant (Variation ID: 216829). Algorithms developed to predict the effect of missense changes on protein structure and function (SIFT, PolyPhen-2, Align-GVGD) all suggest that this variant is likely to be tolerated. In summary, the available evidence is currently insufficient to determine the role of this variant in disease. Therefore, it has been classified as a Variant of Uncertain Significance.

NM_176824.3(BBS7):c.976A>G (p.Ser326Gly)

Gene: BBS7 (Bardet-Biedl syndrome 7; minus strand). Cytogenetic location: 4q27.
Variant type: single nucleotide variant.
Coding change: c.976A>G on transcript NM_176824.3 (MANE Select); coding-DNA position 976, A replaced by G.
Protein change: p.Ser326Gly; replaces serine 326 with glycine.
Molecular consequence: missense variant.
Genome position (GRCh38, 1-based): chr4:121,847,465, T>C on the plus strand (A>G on the coding strand, the complement: BBS7 is on the minus strand). VCF-style: chr4-121847465-T-C. GRCh37 (hg19) VCF-style: chr4-122768620-T-C.
Other names: c.976A>G, p.Ser326Gly (NM_018190.4); short protein forms S326G.
Identifiers: ClinVar variation 216829 (VCV000216829.5), dbSNP rs863224815, ClinGen allele CA337703.